The following is an entry in ClinVar:

ClinVar aggregate classification (germline): Uncertain significance (1 of 4 stars; one submission).

Conditions:
Chuvash polycythemia. Also called: POLYCYTHEMIA, VHL-DEPENDENT. Identifiers: Orphanet 238557, MedGen C1837915, MONDO:0009892, OMIM 263400.
Von Hippel-Lindau syndrome (VHLS). Also called: VHL syndrome; Von Hippel-Lindau; von Hippel–Lindau syndrome. Identifiers: Orphanet 892, MedGen C0019562, MONDO:0008667, OMIM 193300. Disease mechanism: loss of function.

Submission:

Labcorp Genetics (formerly Invitae), Labcorp
Classification: Uncertain significance for Von Hippel-Lindau syndrome; Chuvash polycythemia. Last evaluated: 2018-03-23. Review status: criteria provided, single submitter. Criteria: Invitae Variant Classification Sherloc (09022015). Collection method: clinical testing. Allele origin: germline.
Comment: In summary, the available evidence is currently insufficient to determine the role of this variant in disease. Therefore, it has been classified as a Variant of Uncertain Significance. A missense substitution at one of the deleted codons (p.Gly93Ser) has been determined to be pathogenic (PMID: 8707293, 17922902, 17661816, 12000816, 9329368). This suggests that the glycine residue is critical for VHL protein function and that deletion at this position may also be pathogenic. Experimental studies and prediction algorithms are not available for this variant, and the functional significance of the deleted amino acids is currently unknown. This variant has not been reported in the literature in individuals with VHL-related disease. This variant is not present in population databases (ExAC no frequency). This variant, c.277_294del, results in the deletion of 6 amino acids of the VHL protein (p.Gly93_Tyr98del), but otherwise preserves the integrity of the reading frame.

Literature cited by the submitters: PubMed 8707293; PubMed 17922902; PubMed 17661816; PubMed 12000816; PubMed 9329368.

NM_000551.4(VHL):c.277_294del (p.Gly93_Tyr98del)

Gene: VHL (von Hippel-Lindau tumor suppressor; plus strand). Cytogenetic location: 3p25.3.
Variant type: Deletion.
Coding change: c.277_294del on transcript NM_000551.4 (MANE Select); coding-DNA positions 277 to 294, 18 bases deleted (GGCGAGCCGCAGCCCTAC).
Protein change: p.Gly93_Tyr98del.
Molecular consequence: inframe deletion.
Genome position (GRCh38, 1-based): chr3:10,142,124-10,142,141, GGCGAGCCGCAGCCCTAC deleted; deleting any 18 consecutive bases within chr3:10,142,122-10,142,141 gives the same sequence; the c. name uses the placement nearest the transcript's 3' end. VCF-style (leftmost placement, unchanged base first): chr3-10142121-GACGGCGAGCCGCAGCCCT-G. GRCh37 (hg19) VCF-style: chr3-10183805-GACGGCGAGCCGCAGCCCT-G.
Other names: c.277_294delGGCGAGCCGCAGCCCTAC (NM_000551.3); c.277_294del, p.Gly93_Tyr98del (NM_001354723.2, NM_198156.3).
Identifiers: ClinVar variation 574427 (VCV000574427.7), dbSNP rs1559426059, ClinGen allele CA891843321.
Genomic context (GRCh38, chr3:10,142,121, plus strand): 5'-TCCCAGGTCATCTTCTGCAATCGCAGTCCGCGCGTCGTGCTGCCCGTATGGCTCAACTTC[GACGGCGAGCCGCAGCCCT>G]ACCCAACGCTGCCGCCTGGCACGGGCCGCCGCATCCACAGCTACCGAGGTACGGGCCCGG-3'